The following is an entry in ClinVar:

ClinVar aggregate classification (germline): Likely benign (0 of 4 stars; one submission).

Conditions:
NCOR2-related disorder. Also called: NCOR2-related condition.

Allele frequency attached by ClinVar (database versions not stated): gnomAD exomes 0.00013; ExAC 0.00080; ESP Exome Variant Server 0.00091; 1000 Genomes Project 30x 0.00094; 1000 Genomes Project 0.00100; gnomAD 0.00127; TOPMed 0.00163.
gnomAD v4.1: 386 of 1,498,350 alleles (0.026%); highest among the groups gnomAD compares: African/African-American, 0.44%; 2 homozygotes.

Submission:

PreventionGenetics, part of Exact Sciences
Classification: Likely benign for NCOR2-related condition. Last evaluated: 2019-03-25. Review status: no assertion criteria provided. Collection method: clinical testing. Allele origin: germline.
Comment: This variant is classified as likely benign based on ACMG/AMP sequence variant interpretation guidelines (Richards et al. 2015 PMID: 25741868, with internal and published modifications).

NM_006312.6(NCOR2):c.3153C>T (p.Ser1051=)

Gene: NCOR2 (nuclear receptor corepressor 2; minus strand). Cytogenetic location: 12q24.31.
Variant type: single nucleotide variant.
Coding change: c.3153C>T on transcript NM_006312.6 (MANE Select); coding-DNA position 3153, C replaced by T.
Protein change: p.Ser1051=; no amino-acid change (serine 1051 retained).
Molecular consequence: synonymous variant.
Genome position (GRCh38, 1-based): chr12:124,356,730, G>A on the plus strand (C>T on the coding strand, the complement: NCOR2 is on the minus strand). VCF-style: chr12-124356730-G-A. GRCh37 (hg19) VCF-style: chr12-124841276-G-A.
Other names: c.3123C>T, p.Ser1041= (NM_001077261.4, NM_001206654.2).
Identifiers: ClinVar variation 3044546 (VCV003044546.2), dbSNP rs200441401, ClinGen allele CA6868797.
Genomic context (GRCh38, chr12:124,356,730, plus strand): 5'-GTCCGGGGCATGCGGGGAGGCCTTGATCACCTCACGGGGGGGCACGGGGAAGGGCAGGCC[G>A]GAAGTCCAGCAAGGGGGGTCCCCAGGCAGCTTCTGGGCCTCGGCTGCGAAGGCTGGGAAG-3'
Protein context (NP_006303.4, residues 1041-1061): KLPGDPPCWT[Ser1051=]GLPFPVPPRE